The following is an entry in ClinVar:

ClinVar aggregate classification (germline): Uncertain significance. Review status: criteria provided, multiple submitters, no conflicts (2 of 4 stars). 4 submissions from 4 submitters: Uncertain significance (4). Last evaluated 2026-06-03.

Conditions:
Cardiovascular phenotype. Identifiers: MedGen CN230736.
TTN-related disorder. Also called: TTN-related disorders; TTN-related condition; TTN-related disease.
Dilated cardiomyopathy 1G (CMD1G). Identifiers: Orphanet 154, MedGen C1858763, MONDO:0011400, OMIM 604145.
Autosomal recessive limb-girdle muscular dystrophy type 2J (LGMDR10). Also called: Limb-girdle muscular dystrophy, type 2J; MUSCULAR DYSTROPHY, LIMB-GIRDLE, AUTOSOMAL RECESSIVE 10. Identifiers: Orphanet 140922, MedGen C1837342, MONDO:0012127, OMIM 608807.
Tibial muscular dystrophy (TMD). Also called: UDD MYOPATHY; Tibial muscular dystrophy, tardive; Udd Distal Myopathy – Tibial Muscular Dystrophy. Identifiers: Orphanet 609, MedGen C1838244, MONDO:0010870, OMIM 600334.
Early-onset myopathy with fatal cardiomyopathy (CMYO5). Also called: Salih Myopathy; CONGENITAL MYOPATHY 5 WITH CARDIOMYOPATHY. Identifiers: Orphanet 289377, MedGen C2673677, MONDO:0012714, OMIM 611705. Disease mechanism: loss of function.
Hypertrophic cardiomyopathy 9. Also called: Familial hypertrophic cardiomyopathy 9. Identifiers: MedGen C1861065, MONDO:0013412, OMIM 613765.
Myopathy, myofibrillar, 9, with early respiratory failure (MFM9). Also called: MYOPATHY, PROXIMAL, WITH EARLY RESPIRATORY MUSCLE INVOLVEMENT; Hereditary myopathy with early respiratory failure; Myopathy, distal, with early respiratory failure, autosomal dominant; EDSTROM MYOPATHY. Identifiers: Orphanet 178464, Orphanet 34521, MedGen C1863599, MONDO:0011362, OMIM 603689.

Allele frequency attached by ClinVar (database versions not stated): gnomAD exomes below 0.00001; gnomAD 0.00001; TOPMed 0.00001.
gnomAD v4.1: 7 of 1,612,624 alleles (0.00043%); highest among the groups gnomAD compares: Non-Finnish European, 0.00051%; no homozygotes.

Submissions (4):

PreventionGenetics, part of Exact Sciences
Classification: Uncertain significance for TTN-related condition. Last evaluated: 2026-06-03. Review status: criteria provided, single submitter. Criteria: ACMG Guidelines, 2015. Collection method: clinical testing. Allele origin: germline.
Comment: The TTN c.59912C>T variant is predicted to result in the amino acid substitution p.Ala19971Val. To our knowledge, this variant has not been reported in the literature. This variant is reported in 0.00089% of alleles in individuals of European (Non-Finnish) descent in gnomAD. At this time, the clinical significance of this variant is uncertain due to the absence of conclusive functional and genetic evidence.

Fulgent Genetics
Classification: Uncertain significance for Tibial muscular dystrophy; Myopathy, myofibrillar, 9, with early respiratory failure; Dilated cardiomyopathy 1G; Autosomal recessive limb-girdle muscular dystrophy type 2J; Early-onset myopathy with fatal cardiomyopathy; Hypertrophic cardiomyopathy 9. Last evaluated: 2021-11-01. Review status: criteria provided, single submitter. Criteria: ACMG Guidelines, 2015. Collection method: clinical testing. Allele origin: unknown.

Revvity Omics, Revvity
Classification: Uncertain significance. Last evaluated: 2019-08-12. Review status: criteria provided, single submitter. Criteria: ACMG Guidelines, 2015. Collection method: clinical testing. Allele origin: germline.

Ambry Genetics
Classification: Uncertain significance for Cardiovascular phenotype. Last evaluated: 2016-09-20. Review status: criteria provided, single submitter. Criteria: Ambry Variant Classification Scheme 2023. Collection method: clinical testing. Allele origin: germline.
Comment: The p.A10906V variant (also known as c.32717C>T), located in coding exon 129 of the TTN gene, results from a C to T substitution at nucleotide position 32717. The alanine at codon 10906 is replaced by valine, an amino acid with similar properties, and is located in the A-band region of the N2-B isoform of the titin protein. This variant was not reported in population based cohorts in the following databases: Database of Single Nucleotide Polymorphisms (dbSNP), NHLBI Exome Sequencing Project (ESP), and 1000 Genomes Project. In the ESP, this variant was not observed in 5970 samples (11940 alleles) with coverage at this position. This amino acid position is highly conserved in available vertebrate species. In addition, this alteration is predicted to be tolerated by in silico analysis. Since supporting evidence is limited at this time, the clinical significance of this variant remains unclear.

NM_001267550.2(TTN):c.59912C>T (p.Ala19971Val)

Genes: TTN (titin; minus strand), TTN-AS1 (TTN antisense RNA 1; plus strand), LOC126806424 (CDK7 strongly-dependent group 2 enhancer GRCh37_chr2:179456337-179457536; plus strand). Cytogenetic location: 2q31.2.
Variant type: single nucleotide variant.
Coding change: c.59912C>T on transcript NM_001267550.2 (MANE Select); coding-DNA position 59912, C replaced by T.
Protein change: p.Ala19971Val; replaces alanine 19971 with valine.
Molecular consequence: missense variant.
Genome position (GRCh38, 1-based): chr2:178,591,992, G>A on the plus strand (C>T on the coding strand, the complement: TTN is on the minus strand). VCF-style: chr2-178591992-G-A. GRCh37 (hg19) VCF-style: chr2-179456719-G-A.
Other names: c.54989C>T, p.Ala18330Val (NM_001256850.1); c.32717C>T, p.Ala10906Val (NM_003319.4); c.52208C>T, p.Ala17403Val (NM_133378.4); c.33092C>T, p.Ala11031Val (NM_133432.3); c.33293C>T, p.Ala11098Val (NM_133437.4); short protein forms A19971V, A17403V, A10906V, A11031V, A11098V, A18330V.
Identifiers: ClinVar variation 332822 (VCV000332822.13), dbSNP rs886055258, ClinGen allele CA10611650.